The following is an entry in ClinVar:

NM_001164665.2(KIAA1549):c.68T>A (p.Leu23Gln)

Gene: KIAA1549 (KIAA1549; minus strand). Cytogenetic location: 7q34.
Variant type: single nucleotide variant.
Coding change: c.68T>A on transcript NM_001164665.2 (MANE Select); coding-DNA position 68, T replaced by A.
Protein change: p.Leu23Gln; replaces leucine 23 with glutamine.
Molecular consequence: missense variant.
Genome position (GRCh38, 1-based): chr7:138,981,202, A>T on the plus strand (T>A on the coding strand, the complement: KIAA1549 is on the minus strand). VCF-style: chr7-138981202-A-T. GRCh37 (hg19) VCF-style: chr7-138665948-A-T.
Other names: c.68T>A, p.Leu23Gln (NM_020910.3); short protein forms L23Q.
Identifiers: ClinVar variation 1507573 (VCV001507573.8), dbSNP rs1348595902, ClinGen allele CA369382530.

ClinVar aggregate classification (germline): Uncertain significance (1 of 4 stars; one submission).

gnomAD v4.1: 2 of 1,043,700 alleles (0.00019%); highest among the groups gnomAD compares: Non-Finnish European, 0.00023%; no homozygotes.

Submission:

Labcorp Genetics (formerly Invitae), Labcorp
Classification: Uncertain significance. Last evaluated: 2025-02-03. Review status: criteria provided, single submitter. Criteria: Invitae Variant Classification Sherloc (09022015). Collection method: clinical testing. Allele origin: germline.
Comment: This sequence change replaces leucine, which is neutral and non-polar, with glutamine, which is neutral and polar, at codon 23 of the KIAA1549 protein (p.Leu23Gln). The frequency data for this variant in the population databases is considered unreliable, as metrics indicate insufficient coverage at this position in the gnomAD database. This variant has not been reported in the literature in individuals affected with KIAA1549-related conditions. ClinVar contains an entry for this variant (Variation ID: 1507573). An algorithm developed to predict the effect of missense changes on protein structure and function (PolyPhen-2) suggests that this variant is likely to be tolerated. In summary, the available evidence is currently insufficient to determine the role of this variant in disease. Therefore, it has been classified as a Variant of Uncertain Significance.